The following is an entry in ClinVar:

NM_003742.4(ABCB11):c.1521_1527del (p.Phe508fs)

Gene: ABCB11 (ATP binding cassette subfamily B member 11; minus strand). Cytogenetic location: 2q31.1.
Variant type: Deletion.
Coding change: c.1521_1527del on transcript NM_003742.4 (MANE Select); coding-DNA positions 1521 to 1527, 7 bases deleted (GTTCTCT; older notation c.1521_1527delGTTCTCT).
Protein change: p.Phe508fs; shifts the reading frame from phenylalanine 508.
Molecular consequence: frameshift variant.
Genome position (GRCh38, 1-based): chr2:168,971,958-168,971,964, AGAGAAC deleted on the plus strand (GTTCTCT on the coding strand, the reverse complement: ABCB11 is on the minus strand); deleting any 7 consecutive bases within chr2:168,971,958-168,971,967 gives the same sequence; the c. name uses the placement nearest the transcript's 3' end. VCF-style (leftmost placement, unchanged base first): chr2-168971957-TAGAGAAC-T. GRCh37 (hg19) VCF-style: chr2-169828467-TAGAGAAC-T.
Other names: short protein forms F508fs.
Identifiers: ClinVar variation 4845996 (VCV004845996.1).

ClinVar aggregate classification (germline): Pathogenic (1 of 4 stars; one submission).

Conditions:
Familial intrahepatic cholestasis. Identifiers: Orphanet 284385, MedGen CN296401, MONDO:0017290.

Submission:

Genomenon, Inc
Classification: Pathogenic for Familial intrahepatic cholestasis. Last evaluated: 2026-04-14. Review status: criteria provided, single submitter. Criteria: Genomenon Sequence Variant Interpretation Standards - Updated. Collection method: curation. Allele origin: germline. Affected: yes.
Comment: ABCB11 p.Phe508ProfsTer19 (c.1521_1527del) is a frameshift variant that results in the production of a truncated protein which is predicted to undergo nonsense-mediated mRNA decay. This variant has been observed in at least one proband with an ABCB11-related disorder (PMID:41165782). It is absent or not present at a significant frequency in gnomAD. In conclusion, we classify ABCB11 p.Phe508ProfsTer19 (c.1521_1527del) as a pathogenic variant.

Literature cited by the submitters: PubMed 41165782.